The following is an entry in ClinVar:

ClinVar aggregate classification (germline): Likely benign. Review status: criteria provided, single submitter (1 of 4 stars). 2 submissions from 2 submitters: Likely benign (1). 1 of the submissions does not count toward it. Last evaluated 2018-09-14.

Conditions:
DROSHA-related disorder. Also called: DROSHA-related condition.

gnomAD v4.1: 1 of 1,613,948 alleles (0.000062%); no homozygotes.

Submissions (2):

Labcorp Genetics (formerly Invitae), Labcorp
Classification: Likely benign. Last evaluated: 2018-09-14. Review status: criteria provided, single submitter. Criteria: Invitae Variant Classification Sherloc (09022015). Collection method: clinical testing. Allele origin: germline.

PreventionGenetics, part of Exact Sciences
Classification: Likely benign for DROSHA-related condition. Last evaluated: 2024-03-19. Review status: no assertion criteria provided. Collection method: clinical testing. Allele origin: germline. Not counted in ClinVar's aggregate classification.
Comment: This variant is classified as likely benign based on ACMG/AMP sequence variant interpretation guidelines (Richards et al. 2015 PMID: 25741868, with internal and published modifications).

NM_001382508.1(DROSHA):c.1587+10T>C

Gene: DROSHA (drosha ribonuclease III; minus strand). Cytogenetic location: 5p13.3.
Variant type: single nucleotide variant.
Coding change: c.1587+10T>C on transcript NM_001382508.1 (MANE Select); 10 bases into the intron after coding-DNA position 1587, T replaced by C.
Molecular consequence: intron variant.
Genome position (GRCh38, 1-based): chr5:31,508,611, A>G on the plus strand (T>C on the coding strand, the complement: DROSHA is on the minus strand). VCF-style: chr5-31508611-A-G. GRCh37 (hg19) VCF-style: chr5-31508718-A-G.
Other names: c.1587+10T>C (NM_013235.5); c.1476+10T>C (NM_001100412.2).
Identifiers: ClinVar variation 752392 (VCV000752392.4), dbSNP rs1580339459, ClinGen allele CA915943322.